The following is an entry in ClinVar:

ClinVar aggregate classification (germline): Benign. Review status: criteria provided, multiple submitters, no conflicts (2 of 4 stars). 6 submissions from 6 submitters: Benign (5). 1 of the submissions does not count toward it. Last evaluated 2026-06-10.

Conditions:
MBD4-related disorder. Also called: MBD4-related condition.
Tumor predisposition syndrome 2 (TPDS2). Also called: MBD4-Related Tumor Predisposition Syndrome; MBD4-associated neoplasia syndrome (MANS); MBD4-ASSOCIATED NEOPLASIA SYNDROME. Identifiers: Orphanet 661526, MedGen C5774186, MONDO:0859267, OMIM 619975.

Allele frequency attached by ClinVar (database versions not stated): gnomAD exomes 0.01173 and 0.02429; ExAC 0.02855; gnomAD 0.04058 and 0.04112; ESP Exome Variant Server 0.04313; TOPMed 0.04330; 1000 Genomes Project 0.06609; 1000 Genomes Project 30x 0.06839.
gnomAD v4.1: 23,658 of 1,614,052 alleles (1.5%); highest among the groups gnomAD compares: African/African-American, 13%; 1,294 homozygotes.

Submissions (6):

Myriad Genetics, Inc.
Classification: Benign for Tumor predisposition syndrome 2. Last evaluated: 2026-06-10. Review status: criteria provided, single submitter. Criteria: Myriad Autosomal Dominant, Autosomal Recessive and X-Linked Classification Criteria (2023). Collection method: clinical testing. Allele origin: unknown.
Comment: This variant is considered benign. This variant has been observed at a population frequency that is significantly greater than expected given the associated disease prevalence and penetrance.

Labcorp Genetics (formerly Invitae), Labcorp
Classification: Benign. Last evaluated: 2026-02-04. Review status: criteria provided, single submitter. Criteria: Invitae Variant Classification Sherloc (09022015). Collection method: clinical testing. Allele origin: germline.

ARUP Laboratories, Molecular Genetics and Genomics, ARUP Laboratories
Classification: Benign. Last evaluated: 2024-04-24. Review status: criteria provided, single submitter. Criteria: ARUP Molecular Germline Variant Investigation Process 2024. Collection method: clinical testing. Allele origin: germline.

GeneDx
Classification: Benign. Last evaluated: 2021-05-05. Review status: criteria provided, single submitter. Criteria: GeneDx Variant Classification Process June 2021. Collection method: clinical testing. Allele origin: germline. Affected: yes.

Breakthrough Genomics
Classification: Benign. Review status: criteria provided, single submitter. Criteria: ACMG Guidelines, 2015. Collection method: not provided. Allele origin: germline. Inheritance: Autosomal recessive inheritance. Affected: yes.

PreventionGenetics, part of Exact Sciences
Classification: Benign for MBD4-related condition. Last evaluated: 2019-12-23. Review status: no assertion criteria provided. Collection method: clinical testing. Allele origin: germline. Not counted in ClinVar's aggregate classification.
Comment: This variant is classified as benign based on ACMG/AMP sequence variant interpretation guidelines (Richards et al. 2015 PMID: 25741868, with internal and published modifications).

NM_001276270.2(MBD4):c.1024T>C (p.Ser342Pro)

Gene: MBD4 (methyl-CpG binding domain 4, DNA glycosylase; minus strand). Cytogenetic location: 3q21.3.
Variant type: single nucleotide variant.
Coding change: c.1024T>C on transcript NM_001276270.2 (MANE Select); coding-DNA position 1024, T replaced by C.
Protein change: p.Ser342Pro; replaces serine 342 with proline.
Molecular consequence: missense variant. On other transcripts: intron variant (1).
Genome position (GRCh38, 1-based): chr3:129,436,620, A>G on the plus strand (T>C on the coding strand, the complement: MBD4 is on the minus strand). VCF-style: chr3-129436620-A-G. GRCh37 (hg19) VCF-style: chr3-129155463-A-G.
Other names: c.1024T>C, p.Ser342Pro (NM_001276271.2, NM_001276272.2, NM_003925.3); c.247+1188T>C (NM_001276273.2); short protein forms S342P.
Identifiers: ClinVar variation 1268570 (VCV001268570.11), dbSNP rs2307289, ClinGen allele CA2605429.